The following is an entry in ClinVar:

NM_153485.3(NUP155):c.1304A>G (p.Asn435Ser)

Gene: NUP155 (nucleoporin 155; minus strand). Cytogenetic location: 5p13.2.
Variant type: single nucleotide variant.
Coding change: c.1304A>G on transcript NM_153485.3 (MANE Select); coding-DNA position 1304, A replaced by G.
Protein change: p.Asn435Ser; replaces asparagine 435 with serine.
Molecular consequence: missense variant.
Genome position (GRCh38, 1-based): chr5:37,337,861, T>C on the plus strand (A>G on the coding strand, the complement: NUP155 is on the minus strand). VCF-style: chr5-37337861-T-C. GRCh37 (hg19) VCF-style: chr5-37337963-T-C.
Other names: p.Asn435Ser; c.1304A>G, p.Asn435Ser (NM_001278312.2); c.1127A>G, p.Asn376Ser (NM_004298.4); short protein forms N376S, N435S.
Identifiers: ClinVar variation 3242595 (VCV003242595.2), dbSNP rs147902256.

ClinVar aggregate classification (germline): Conflicting classifications of pathogenicity. Review status: criteria provided, conflicting classifications (1 of 4 stars). 2 submissions from 2 submitters: Uncertain significance (1); Benign (1). Last evaluated 2024-12-31.

Conditions:
NUP155-related disorder. Also called: NUP155-related condition.
Atrial fibrillation, familial, 15 (ATFB15). Also called: Atrial fibrillation 15. Identifiers: MedGen C4014269, MONDO:0014340, OMIM 615770.

Allele frequency attached by ClinVar (database versions not stated): TOPMed 0.00009; ESP Exome Variant Server 0.00015; 1000 Genomes Project 30x 0.00016; 1000 Genomes Project 0.00020; gnomAD exomes 0.00047; ExAC 0.00072; gnomAD 0.00081.
gnomAD v4.1: 801 of 1,612,726 alleles (0.05%); highest among the groups gnomAD compares: Middle Eastern, 0.12%; 7 homozygotes.

Submissions (2):

PreventionGenetics, part of Exact Sciences
Classification: Benign for NUP155-related condition. Last evaluated: 2024-12-31. Review status: criteria provided, single submitter. Criteria: ACMG Guidelines, 2015. Collection method: clinical testing. Allele origin: germline.
Comment: This variant is classified as benign based on ACMG/AMP sequence variant interpretation guidelines (Richards et al. 2015 PMID: 25741868, with internal and published modifications).

Clinical Genomics Laboratory, Stanford Medicine
Classification: Uncertain significance for Atrial fibrillation, familial, 15. Last evaluated: 2021-07-26. Review status: criteria provided, single submitter. Criteria: ACMG Guidelines, 2015. Collection method: clinical testing. Allele origin: germline. Affected: yes. Observed: 1 heterozygote.
Comment: The p.Asn435Servariant in the NUP155gene has not been previously reported in association with disease. This variant has been identified in 217/25,112 European Finnish chromosomes,including 5 homozygotes,(252/281,858 chromosomes overall) by the Genome Aggregation Database. Although this variant has been seen in the general population, it has not been observed at a frequency high enough to rule out pathogenicity. The asparagine at position 435 is well conserved.Computational tools predict that the p.Asn435Ser variant does not impactprotein function; however, the accuracy of in silicoalgorithms is limited. These data were assessed using the ACMG/AMP variant interpretation guidelines. In summary, the significance of thep.Asn435Servariant is uncertain; however, population frequency data suggests that this variant is more likely to be benign than pathogenic. Additional information is needed to resolve the significance of this variant.[ACMG evidence codes used: BP4]